The following is an entry in ClinVar:

NM_001128.6(AP1G1):c.1135C>T (p.Arg379Ter)

Gene: AP1G1 (adaptor related protein complex 1 subunit gamma 1; minus strand). Cytogenetic location: 16q22.2.
Variant type: single nucleotide variant.
Coding change: c.1135C>T on transcript NM_001128.6 (MANE Select); coding-DNA position 1135, C replaced by T.
Protein change: p.Arg379Ter; replaces arginine 379 with a stop codon.
Molecular consequence: nonsense.
Genome position (GRCh38, 1-based): chr16:71,756,113, G>A on the plus strand (C>T on the coding strand, the complement: AP1G1 is on the minus strand). VCF-style: chr16-71756113-G-A. GRCh37 (hg19) VCF-style: chr16-71790016-G-A.
Other names: c.1144C>T, p.Arg382Ter (NM_001030007.2); short protein forms R379*, R382*.
Identifiers: ClinVar variation 3403213 (VCV003403213.2).
Genomic context (GRCh38, chr16:71,756,113, plus strand): 5'-CTGCTTTAAATTCTGGCTCACACGAATCCAGAAAATAAAGTAATTCTTTCATCATGCCTC[G>A]GATATTATTCCCATTTACCAGGGCAAAACTCAATTCCATTGCACGCCTTGCAGAAGGGAA-3'

ClinVar aggregate classification (germline): Pathogenic/Likely pathogenic. Review status: criteria provided, multiple submitters, no conflicts (2 of 4 stars). 2 submissions from 2 submitters: Pathogenic (1); Likely pathogenic (1). Last evaluated 2025-05-22.

Conditions:
Inborn genetic diseases. Identifiers: MedGen C0950123, MeSH D030342.
Usmani-Riazuddin syndrome, autosomal dominant (USRISD). Identifiers: MedGen C5561952, MONDO:0859174, OMIM 619467.

Submissions (2):

Clinical Genetics Laboratory, University Hospital Schleswig-Holstein
Classification: Likely pathogenic for Usmani-Riazuddin syndrome, autosomal dominant. Last evaluated: 2025-05-22. Review status: criteria provided, single submitter. Criteria: ACMG Guidelines, 2015. Collection method: clinical testing. Allele origin: germline. Affected: yes. Observed: 1 heterozygote.
Comment: ACMG criteria applied: PM2, PVS1_Strong

Ambry Genetics
Classification: Pathogenic for Inborn genetic diseases. Last evaluated: 2024-09-18. Review status: criteria provided, single submitter. Criteria: Ambry Variant Classification Scheme 2023. Collection method: clinical testing. Allele origin: germline.
Comment: The c.1144C>T (p.R382*) alteration, located in exon 13 (coding exon 12) of the AP1G1 gene, consists of a C to T substitution at nucleotide position 1144. This changes the amino acid from an arginine (R) to a stop codon at amino acid position 382. This alteration is expected to result in loss of function by premature protein truncation or nonsense-mediated mRNA decay. This variant was not reported in population-based cohorts in the Genome Aggregation Database (gnomAD). Based on the available evidence, this alteration is classified as pathogenic.